The following is an entry in ClinVar:

NM_016148.5(SHANK1):c.4669G>A (p.Glu1557Lys)

Gene: SHANK1 (SH3 and multiple ankyrin repeat domains 1; minus strand). Cytogenetic location: 19q13.33.
Variant type: single nucleotide variant.
Coding change: c.4669G>A on transcript NM_016148.5 (MANE Select); coding-DNA position 4669, G replaced by A.
Protein change: p.Glu1557Lys; replaces glutamic acid 1557 with lysine.
Molecular consequence: missense variant.
Genome position (GRCh38, 1-based): chr19:50,667,291, C>T on the plus strand (G>A on the coding strand, the complement: SHANK1 is on the minus strand). VCF-style: chr19-50667291-C-T. GRCh37 (hg19) VCF-style: chr19-51170548-C-T.
Other names: short protein forms E1557K.
Identifiers: ClinVar variation 2580387 (VCV002580387.1), dbSNP rs2513877877, ClinGen allele CA407013514.

ClinVar aggregate classification (germline): Uncertain significance (1 of 4 stars; one submission).

Submission:

GeneDx
Classification: Uncertain significance. Last evaluated: 2023-03-20. Review status: criteria provided, single submitter. Criteria: GeneDx Variant Classification Process June 2021. Collection method: clinical testing. Allele origin: germline. Affected: yes.
Comment: Not observed at significant frequency in large population cohorts (gnomAD); In silico analysis supports that this missense variant does not alter protein structure/function; Has not been previously published as pathogenic or benign to our knowledge